The following is an entry in ClinVar:

ClinVar aggregate classification (germline): Uncertain significance (1 of 4 stars; one submission).

Conditions:
Neurofibromatosis, type 1 (NF1). Also called: NEUROFIBROMATOSIS, TYPE I, SOMATIC; Neurofibromatosis, type I; VON RECKLINGHAUSEN DISEASE; Peripheral type neurofibromatosis. Identifiers: Orphanet 636, MedGen C0027831, MONDO:0018975, OMIM 162200. Disease mechanism: loss of function.

Submission:

Labcorp Genetics (formerly Invitae), Labcorp
Classification: Uncertain significance for Neurofibromatosis, type 1. Last evaluated: 2021-10-08. Review status: criteria provided, single submitter. Criteria: Invitae Variant Classification Sherloc (09022015). Collection method: clinical testing. Allele origin: germline.
Comment: In summary, the available evidence is currently insufficient to determine the role of this variant in disease. Therefore, it has been classified as a Variant of Uncertain Significance. This variant disrupts the c.6858+3A nucleotide in the NF1 gene. Other variant(s) that disrupt this nucleotide have been determined to be pathogenic (PMID: 23656349; Invitae). This suggests that this nucleotide is clinically significant, and that variants that disrupt this position are likely to be disease-causing. Variants that disrupt the consensus splice site are a relatively common cause of aberrant splicing (PMID: 17576681, 9536098). Algorithms developed to predict the effect of sequence changes on RNA splicing suggest that this variant may disrupt the consensus splice site. This variant has not been reported in the literature in individuals affected with NF1-related conditions. This variant is not present in population databases (ExAC no frequency). This sequence change falls in intron 45 of the NF1 gene. It does not directly change the encoded amino acid sequence of the NF1 protein. It affects a nucleotide within the consensus splice site.

Literature cited by the submitters: PubMed 23656349; PubMed 17576681; PubMed 9536098.

NM_001042492.3(NF1):c.6921+3A>C

Gene: NF1 (neurofibromin 1; plus strand). Cytogenetic location: 17q11.2.
Variant type: single nucleotide variant.
Coding change: c.6921+3A>C on transcript NM_001042492.3 (MANE Select); 3 bases into the intron after coding-DNA position 6921, A replaced by C.
Molecular consequence: intron variant.
Genome position (GRCh38, 1-based): chr17:31,338,808, A>C. VCF-style: chr17-31338808-A-C. GRCh37 (hg19) VCF-style: chr17-29665826-A-C.
Other names: c.6858+3A>C (NM_000267.4).
Identifiers: ClinVar variation 1485156 (VCV001485156.6), dbSNP rs1085307885, ClinGen allele CA2573153882.